The following is an entry in ClinVar:

ClinVar aggregate classification (germline): Likely pathogenic (1 of 4 stars; one submission).

Conditions:
Intellectual developmental disorder, X-linked, syndromic, Claes-Jensen type. Also called: Syndromic X-linked intellectual disability Claes-Jensen type; INTELLECTUAL DEVELOPMENTAL DISORDER, X-LINKED, SYNDROMIC 16; MENTAL RETARDATION, X-LINKED, SYNDROMIC 16. Identifiers: Orphanet 85279, MedGen C1845243, MONDO:0010355, OMIM 300534.

Submission:

Foundation for Research in Genetics and Endocrinology, FRIGE's Institute of Human Genetics
Classification: Likely pathogenic for Intellectual developmental disorder, X-linked, syndromic, Claes-Jensen type. Last evaluated: 2026-02-28. Review status: criteria provided, single submitter. Criteria: ACMG Guidelines, 2015. Collection method: clinical testing. Allele origin: germline. Inheritance: X-linked recessive inheritance. Affected: yes. Observed: 1 variant allele, 1 hemizygote.
Comment: The Hemizygous frameshift duplication variant c.1875_1876dup; p.Gly626Valfs*34, has been detected in the KDM5C gene. This variant is present in 28 out of 28 reads at the locus. It is located in exon of and it leads to protein truncation 34 amino acids downstream of codon 626. This variant has not been reported in population frequency databases such as gnomAD and ExAC. In summary, the variant meets our criteria to be classified as likely pathogenic.

NM_004187.5(KDM5C):c.1875_1876dup (p.Gly626fs)

Gene: KDM5C (lysine demethylase 5C; minus strand). Cytogenetic location: Xp11.22.
Variant type: Duplication.
Coding change: c.1875_1876dup on transcript NM_004187.5 (MANE Select); coding-DNA positions 1875 to 1876, 2 bases duplicated (TG; older notation c.1875_1876dupTG).
Protein change: p.Gly626fs; shifts the reading frame from glycine 626.
Molecular consequence: frameshift variant. On other transcripts: non-coding transcript variant (3).
Genome position (GRCh38, 1-based): chrX:53,201,735-53,201,736, CA duplicated on the plus strand (TG on the coding strand, the reverse complement: KDM5C is on the minus strand). VCF-style (leftmost placement, unchanged base first): chrX-53201734-C-CCA. GRCh37 (hg19) VCF-style: chrX-53230916-C-CCA.
Other names: p.Gly626Valfs* 34; c.1674_1675dup, p.Gly559fs (NM_001146702.2); c.1872_1873dup, p.Gly625fs (NM_001282622.3, NM_001353979.2, NM_001353982.2); c.1875_1876dup, p.Gly626fs (NM_001353978.3, NM_001353981.2, NM_001353984.2); short protein forms G559fs, G625fs, G626fs.
Identifiers: ClinVar variation 4813280 (VCV004813280.1).
Genomic context (GRCh38, chrX:53,201,734, plus strand): 5'-TCCTCATGGGAGAAGACGCAGTATCTCCGGAGCCGGCGGTAGTGCTCAATGCACTGGCGC[C>CCA]CAGCAGGCAACTGTGGGCAGGTTCAAGGTTGAGTGTGGCCAAGTCTGGAGGCCATGATGC-3'